The following is an entry in ClinVar:

ClinVar aggregate classification (germline): Uncertain significance (1 of 4 stars; one submission).

Conditions:
Atrial fibrillation, familial, 6 (ATFB6). Identifiers: MedGen C2677294, MONDO:0012816, OMIM 612201.

Allele frequency attached by ClinVar (database versions not stated): ExAC 0.00003; gnomAD exomes 0.00007; gnomAD 0.00015 and 0.00017; TOPMed 0.00017.

Submission:

Labcorp Genetics (formerly Invitae), Labcorp
Classification: Uncertain significance for Atrial fibrillation, familial, 6. Last evaluated: 2025-06-22. Review status: criteria provided, single submitter. Criteria: Invitae Variant Classification Sherloc (09022015). Collection method: clinical testing. Allele origin: germline.
Comment: This sequence change replaces arginine, which is basic and polar, with tryptophan, which is neutral and slightly polar, at codon 126 of the NPPA protein (p.Arg126Trp). This variant is present in population databases (rs760273901, gnomAD 0.02%). This missense change has been observed in individual(s) with clinical features of dilated cardiomyopathy (PMID: 31983221). ClinVar contains an entry for this variant (Variation ID: 1426372). An algorithm developed to predict the effect of missense changes on protein structure and function (PolyPhen-2) suggests that this variant is likely to be disruptive. In summary, the available evidence is currently insufficient to determine the role of this variant in disease. Therefore, it has been classified as a Variant of Uncertain Significance.

Literature cited by the submitters: PubMed 31983221.

NM_006172.4(NPPA):c.376C>T (p.Arg126Trp)

Genes: NPPA (natriuretic peptide A; minus strand), NPPA-AS1 (NPPA antisense RNA 1; plus strand), LOC114827827 (VISTA enhancer hs2123; plus strand). Cytogenetic location: 1p36.22.
Variant type: single nucleotide variant.
Coding change: c.376C>T on transcript NM_006172.4 (MANE Select); coding-DNA position 376, C replaced by T.
Protein change: p.Arg126Trp; replaces arginine 126 with tryptophan.
Molecular consequence: missense variant.
Genome position (GRCh38, 1-based): chr1:11,847,187, G>A on the plus strand (C>T on the coding strand, the complement: NPPA is on the minus strand). VCF-style: chr1-11847187-G-A. GRCh37 (hg19) VCF-style: chr1-11907244-G-A.
Other names: short protein forms R126W.
Identifiers: ClinVar variation 1426372 (VCV001426372.6), dbSNP rs760273901, ClinGen allele CA597016.